The following is an entry in ClinVar:

ClinVar aggregate classification (germline): Uncertain significance. Review status: criteria provided, multiple submitters, no conflicts (2 of 4 stars). 2 submissions from 2 submitters: Uncertain significance (2). Last evaluated 2026-03-30.

Conditions:
Cardiovascular phenotype. Identifiers: MedGen CN230736.

Allele frequency attached by ClinVar (database versions not stated): gnomAD exomes below 0.00001.
gnomAD v4.1: 1 of 1,211,791 alleles (0.000083%); highest among the groups gnomAD compares: Admixed American, 0.0022%; no homozygotes.

Submissions (2):

Ambry Genetics
Classification: Uncertain significance for Cardiovascular phenotype. Last evaluated: 2026-03-30. Review status: criteria provided, single submitter. Criteria: Ambry Variant Classification Scheme 2023. Collection method: clinical testing. Allele origin: germline.
Comment: The p.M35I variant (also known as c.105G>A), located in coding exon 1 of the BGN gene, results from a G to A substitution at nucleotide position 105. The methionine at codon 35 is replaced by isoleucine, an amino acid with highly similar properties. This amino acid position is conserved. In addition, this alteration is predicted to be tolerated by in silico analysis. Based on the available evidence, the clinical significance of this variant remains unclear.

Labcorp Genetics (formerly Invitae), Labcorp
Classification: Uncertain significance. Last evaluated: 2025-06-08. Review status: criteria provided, single submitter. Criteria: Invitae Variant Classification Sherloc (09022015). Collection method: clinical testing. Allele origin: germline.
Comment: This sequence change replaces methionine, which is neutral and non-polar, with isoleucine, which is neutral and non-polar, at codon 35 of the BGN protein (p.Met35Ile). This variant is not present in population databases (gnomAD no frequency). This variant has not been reported in the literature in individuals affected with BGN-related conditions. ClinVar contains an entry for this variant (Variation ID: 1367603). An algorithm developed to predict the effect of missense changes on protein structure and function (PolyPhen-2) suggests that this variant is likely to be tolerated. In summary, the available evidence is currently insufficient to determine the role of this variant in disease. Therefore, it has been classified as a Variant of Uncertain Significance.

NM_001711.6(BGN):c.105G>A (p.Met35Ile)

Gene: BGN (biglycan; plus strand). Cytogenetic location: Xq28.
Variant type: single nucleotide variant.
Coding change: c.105G>A on transcript NM_001711.6 (MANE Select); coding-DNA position 105, G replaced by A.
Protein change: p.Met35Ile; replaces methionine 35 with isoleucine.
Molecular consequence: missense variant.
Genome position (GRCh38, 1-based): chrX:153,504,736, G>A. VCF-style: chrX-153504736-G-A. GRCh37 (hg19) VCF-style: chrX-152770194-G-A.
Other names: c.105G>A (NM_001711.4); short protein forms M35I.
Identifiers: ClinVar variation 1367603 (VCV001367603.10), dbSNP rs1556992632, ClinGen allele CA415067888.